The following is an entry in ClinVar:

ClinVar aggregate classification (germline): not provided (0 of 4 stars; one submission).

Conditions:
Preeclampsia. Identifiers: Orphanet 275555, MedGen C0032914, MONDO:0005081, HP:0100602.

Submission:

Institute of Molecular and Cell Biology, University of Tartu
No classification provided. Condition: Preeclampsia. Review status: no classification provided. Collection method: case-control. Allele origin: unknown. Affected: yes. Study: Kasak2014.
Comment: The study aimed to determine the contribution of copy number variants in the genetic etiology of normal and complicated pregnancies. The samples represented (i) maternal blood DNA drawn from healthy pregnant women during 1st or 2nd trimester and (ii) maternal and paternal blood DNA drawn at term pregnancy cases representing normal and complicated gestations (severe preeclampsia, PE; gestational diabetes, GD; small-for-gestational age newborn, SGA; large-for-gestational age newborn, LGA). We performed CNV calling based on genome-wide genotyping dataset (Illumina HumanOmniExpress-24-v1 BeadChip) by applying three algorithms, QuantiSNP, GADA (Genome Alteration Detection Algorithm) and CNstream in parallel. The acquired CNV calls were merged with HD-CNV (Hotspot Detector for Copy Number Variants) program and only the CNVs predicted by at least two programs, were considered in subsequent analysis.

Literature cited by the submitters: PubMed 25666259.

NC_000015.10:g.81685124_81795773dup

Variant type: Duplication.
Identifiers: ClinVar variation 157351 (VCV000157351.3).